The following is an entry in ClinVar:

ClinVar aggregate classification (germline): Pathogenic (1 of 4 stars; one submission).

Conditions:
Cardiovascular phenotype. Identifiers: MedGen CN230736.

Submission:

Molecular Diagnostic Laboratory for Inherited Cardiovascular Disease, Montreal Heart Institute
Classification: Pathogenic for Cardiovascular phenotype. Last evaluated: 2025-09-19. Review status: criteria provided, single submitter. Criteria: ACMG Guidelines, 2015. Collection method: clinical testing. Allele origin: germline. Affected: yes.
Comment: PS4, PVS1_mod, PM1, PM2, PM6

NM_004006.2:c.(6912+1_6913-1)_(7542+1_7543-1)del

Gene: DMD (dystrophin; minus strand).
Variant type: Deletion.
Identifiers: ClinVar variation 4820445 (VCV004820445.1).